The following is an entry in ClinVar:

NM_001080421.3(UNC13A):c.394+6T>C

Gene: UNC13A (unc-13 homolog A; minus strand). Cytogenetic location: 19p13.11.
Variant type: single nucleotide variant.
Coding change: c.394+6T>C on transcript NM_001080421.3 (MANE Select); 6 bases into the intron after coding-DNA position 394, T replaced by C.
Molecular consequence: intron variant.
Genome position (GRCh38, 1-based): chr19:17,669,547, A>G on the plus strand (T>C on the coding strand, the complement: UNC13A is on the minus strand). VCF-style: chr19-17669547-A-G. GRCh37 (hg19) VCF-style: chr19-17780356-A-G.
Other names: c.394+6T>C (NM_001387022.1, NM_001387023.1, NM_001387021.1).
Identifiers: ClinVar variation 4848575 (VCV004848575.1).

ClinVar aggregate classification (germline): Uncertain significance (1 of 4 stars; one submission).

gnomAD v4.1: 9 of 1,612,988 alleles (0.00056%); highest among the groups gnomAD compares: Non-Finnish European, 0.00068%; no homozygotes.

Submission:

Women's Health and Genetics/Laboratory Corporation of America, LabCorp
Classification: Uncertain significance. Last evaluated: 2026-04-14. Review status: criteria provided, single submitter. Criteria: LabCorp Variant Classification Summary - May 2015. Collection method: clinical testing. Allele origin: germline.
Comment: Variant summary: UNC13A c.394+6T>C alters a conserved nucleotide located close to a canonical splice site and therefore could affect mRNA splicing, leading to a significantly altered protein sequence. Consensus agreement among computation tools predict no significant impact on normal splicing. However, these predictions have yet to be confirmed by functional studies. The variant was absent in 248264 control chromosomes. The available data on variant occurrences in the general population are insufficient to allow any conclusion about variant significance. To our knowledge, no occurrence of c.394+6T>C in individuals affected with UNC13A-related conditions and no experimental evidence demonstrating its impact on protein function have been reported. No submitters have cited clinical-significance assessments for this variant to ClinVar. Based on the evidence outlined above, the variant was classified as uncertain significance.